The following is an entry in ClinVar:

NM_004360.5(CDH1):c.19A>G (p.Ser7Gly)

Gene: CDH1 (cadherin 1; plus strand). Cytogenetic location: 16q22.1.
Variant type: single nucleotide variant.
Coding change: c.19A>G on transcript NM_004360.5 (MANE Select); coding-DNA position 19, A replaced by G.
Protein change: p.Ser7Gly; replaces serine 7 with glycine.
Molecular consequence: missense variant. On other transcripts: 5 prime UTR variant (2).
Genome position (GRCh38, 1-based): chr16:68,737,434, A>G. VCF-style: chr16-68737434-A-G. GRCh37 (hg19) VCF-style: chr16-68771337-A-G.
Other names: c.19A>G, p.Ser7Gly (NM_001317184.2); c.-1597A>G (NM_001317185.2); c.-1801A>G (NM_001317186.2); short protein forms S7G.
Identifiers: ClinVar variation 2502926 (VCV002502926.1), dbSNP rs1303550652, ClinGen allele CA396451299.
Genomic context (GRCh38, chr16:68,737,434, plus strand): 5'-CCGCACCCGGCGCCTGCCCTCGCTCGGCGTCCCCGGCCAGCCATGGGCCCTTGGAGCCGC[A>G]GCCTCTCGGCGCTGCTGCTGCTGCTGCAGGTACCCCGGATCCCCTGACTTGCGAGGGACG-3'
Protein context (NP_004351.1, residues 1-17): MGPWSR[Ser7Gly]LSALLLLLQV

ClinVar aggregate classification (germline): Uncertain significance (1 of 4 stars; one submission).

Conditions:
Hereditary diffuse gastric adenocarcinoma (HDGC). Also called: DIFFUSE GASTRIC AND LOBULAR BREAST CANCER SYNDROME. Identifiers: Orphanet 26106, MedGen C1708349, MONDO:0007648, OMIM 137215.

Allele frequency attached by ClinVar (database versions not stated): gnomAD exomes below 0.00001; gnomAD 0.00001.
gnomAD v4.1: 3 of 1,534,684 alleles (0.0002%); highest among the groups gnomAD compares: Non-Finnish European, 0.00026%; no homozygotes.

Submission:

European Reference Network on Genetic Tumour Risk Syndromes (ERN-GENTURIS), i3s - Instituto de Investigação e Inovação em Saúde, University of Porto
Classification: Uncertain significance for Hereditary diffuse gastric adenocarcinoma. Last evaluated: 2022-08-01. Review status: criteria provided, single submitter. Criteria: Lee et al. (Hum Mutat. 2018). Collection method: clinical testing. Allele origin: germline. Inheritance: Autosomal dominant inheritance. Affected: no. Study: ERN GENTURIS.
Comment: PM2 (PMID: 30311375)

Literature cited by the submitters: PubMed 36436516.